The following is an entry in ClinVar:

ClinVar aggregate classification (germline): Conflicting classifications of pathogenicity. Review status: criteria provided, conflicting classifications (1 of 4 stars). 4 submissions from 4 submitters: Uncertain significance (2); Likely benign (1). 1 of the submissions does not count toward it. Last evaluated 2023-03-23.

Conditions:
Hereditary cancer-predisposing syndrome. Also called: Hereditary Cancer Syndrome; Hereditary neoplastic syndrome; Neoplastic Syndromes, Hereditary; Tumor predisposition. Identifiers: Orphanet 140162, MedGen C0027672, MeSH D009386, MONDO:0015356.
Breast-ovarian cancer, familial, susceptibility to, 1 (BROVCA1). Also called: BRCA1 Hereditary Breast and Ovarian Cancer; OVARIAN CANCER, SUSCEPTIBILITY TO. Identifiers: Orphanet 145, MedGen C2676676, MONDO:0011450, OMIM 604370. Disease mechanism: loss of function.
Hereditary breast ovarian cancer syndrome. Also called: BRCA1- and BRCA2-Associated Hereditary Breast and Ovarian Cancer; Hereditary breast and ovarian cancer syndrome; Hereditary breast and ovarian cancer syndrome (HBOC); Breast and ovarian cancer; Hereditary breast and/or ovarian cancer syndrome; Hereditary breast and ovarian cancer. Identifiers: Orphanet 145, MedGen C0677776, MeSH D061325, MONDO:0003582. Disease mechanism: loss of function.

Allele frequency attached by ClinVar (database versions not stated): gnomAD exomes below 0.00001.
gnomAD v4.1: 1 of 1,614,218 alleles (0.000062%); highest among the groups gnomAD compares: African/African-American, 0.0013%; no homozygotes.

Submissions (4):

University of Washington Department of Laboratory Medicine, University of Washington
Classification: Likely benign for Hereditary cancer-predisposing syndrome. Last evaluated: 2023-03-23. Review status: criteria provided, single submitter. Criteria: Dines et al. (Genet Med. 2020). Collection method: curation. Allele origin: germline.
Comment: Missense variant in a coldspot region where missense variants are very unlikely to be pathogenic (PMID:31911673).

BRCA1 coldspot (exon 11 using historical exon numbering). Reclassification based on statistical prior probability

Labcorp Genetics (formerly Invitae), Labcorp
Classification: Uncertain significance for Hereditary breast ovarian cancer syndrome. Last evaluated: 2022-06-13. Review status: criteria provided, single submitter. Criteria: Invitae Variant Classification Sherloc (09022015). Collection method: clinical testing. Allele origin: germline.
Comment: This sequence change replaces arginine, which is basic and polar, with glycine, which is neutral and non-polar, at codon 315 of the BRCA1 protein (p.Arg315Gly). This variant is not present in population databases (gnomAD no frequency). This missense change has been observed in individual(s) with clinical features of BRCA1-related conditions (PMID: 12491487, 16267036). ClinVar contains an entry for this variant (Variation ID: 55761). Advanced modeling of protein sequence and biophysical properties (such as structural, functional, and spatial information, amino acid conservation, physicochemical variation, residue mobility, and thermodynamic stability) performed at Invitae indicates that this missense variant is not expected to disrupt BRCA1 protein function. RNA analysis performed to evaluate the impact of this missense change on mRNA splicing indicates it does not significantly alter splicing (Invitae). In summary, the available evidence is currently insufficient to determine the role of this variant in disease. Therefore, it has been classified as a Variant of Uncertain Significance.

GeneDx
Classification: Uncertain significance. Last evaluated: 2016-05-03. Review status: criteria provided, single submitter. Criteria: GeneDx Variant Classification (06012015). Collection method: clinical testing. Allele origin: germline. Affected: yes.
Comment: This variant is denoted BRCA1 c.943A>G at the cDNA level, p.Arg315Gly (R315G) at the protein level, and results in the change of an Arginine to a Glycine (AGG>GGG). Using alternate nomenclature, this variant would be defined as BRCA1 1062A>G. This variant was observed in at least one African American individual with breast cancer (Olopade 2003). BRCA1 Arg315Gly was not observed in approximately 6,500 individuals of European and African American ancestry in the NHLBI Exome Sequencing Project, suggesting it is not a common benign variant in these populations. Since Arginine and Glycine differ in polarity, charge, size or other properties, this is considered a non-conservative amino acid substitution. BRCA1 Arg315Gly occurs at a position that is not conserved and is located in the region known for interaction with multiple proteins (Paul 2014). In silico analyses are inconsistent regarding the effect this variant may have on protein structure and function. Based on currently available evidence, it is unclear whether BRCA1 Arg315Gly is a pathogenic or benign variant. We consider it to be a variant of uncertain significance.

Breast Cancer Information Core (BIC) (BRCA1)
Classification: Uncertain significance for Breast-ovarian cancer, familial 1. Review status: no assertion criteria provided. Collection method: clinical testing. Allele origin: germline. Affected: yes. Observed: 1 variant allele. Not counted in ClinVar's aggregate classification.

Literature cited by the submitters: PubMed 12491487 (cited by Labcorp Genetics (formerly Invitae), Labcorp); PubMed 16267036 (cited by Labcorp Genetics (formerly Invitae), Labcorp).

NM_007294.4(BRCA1):c.943A>G (p.Arg315Gly)

Gene: BRCA1 (BRCA1 DNA repair associated; minus strand). Cytogenetic location: 17q21.31.
Variant type: single nucleotide variant.
Coding change: c.943A>G on transcript NM_007294.4 (MANE Select); coding-DNA position 943, A replaced by G.
Protein change: p.Arg315Gly; replaces arginine 315 with glycine.
Molecular consequence: missense variant. On other transcripts: intron variant (137).
Genome position (GRCh38, 1-based): chr17:43,094,588, T>C on the plus strand (A>G on the coding strand, the complement: BRCA1 is on the minus strand). VCF-style: chr17-43094588-T-C. GRCh37 (hg19) VCF-style: chr17-41246605-T-C.
Other names: c.577+156A>G (NM_001408480.1, NM_001408492.1, NM_001408513.1 and 9 more transcripts); c.778+156A>G (NM_001408408.1); c.661+156A>G (NM_001408446.1, NM_001408435.1, NM_001408448.1 and 6 more transcripts); c.784+156A>G (NM_001408401.1, NM_001408396.1, NM_001407985.1 and 13 more transcripts); c.548-3556A>G (NM_001408494.1); c.664+156A>G (NM_001408444.1, NM_001408438.1, NM_001408430.1 and 12 more transcripts); c.670+1258A>G (NM_001408423.1, NM_001408420.1, NM_001408419.1 and 2 more transcripts); c.787+156A>G (NM_001408404.1, NM_001408472.1, NM_001407990.1 and 19 more transcripts); and 40 more; short protein forms R315G, R268G, R187G, R203G, R244G, R274G, R312G, R188G.
Identifiers: ClinVar variation 55761 (VCV000055761.12), dbSNP rs80357050, ClinGen allele CA003977.